The following is an entry in ClinVar:

NM_022841.7(RFX7):c.3308C>T (p.Pro1103Leu)

Gene: RFX7 (regulatory factor X7; minus strand). Cytogenetic location: 15q21.3.
Variant type: single nucleotide variant.
Coding change: c.3308C>T on transcript NM_022841.7 (MANE Select); coding-DNA position 3308, C replaced by T.
Protein change: p.Pro1103Leu; replaces proline 1103 with leucine.
Molecular consequence: missense variant.
Genome position (GRCh38, 1-based): chr15:56,094,420, G>A on the plus strand (C>T on the coding strand, the complement: RFX7 is on the minus strand). VCF-style: chr15-56094420-G-A. GRCh37 (hg19) VCF-style: chr15-56386618-G-A.
Other names: c.3017C>T, p.Pro1006Leu (NM_001368073.2, NM_001368074.1, NM_001370554.1); c.3308C>T, p.Pro1103Leu (NM_001370561.1); short protein forms P1006L, P1103L.
Identifiers: ClinVar variation 4795660 (VCV004795660.1).

ClinVar aggregate classification (germline): Uncertain significance (1 of 4 stars; one submission).

Submission:

GeneDx
Classification: Uncertain significance. Last evaluated: 2025-08-15. Review status: criteria provided, single submitter. Criteria: GeneDx Variant Classification Process June 2021. Collection method: clinical testing. Allele origin: germline. Affected: yes.
Comment: Not observed at significant frequency in large population cohorts (gnomAD); In silico analysis supports that this missense variant has a deleterious effect on protein structure/function; Has not been previously published as pathogenic or benign to our knowledge